The following is an entry in ClinVar:

ClinVar aggregate classification (germline): Benign/Likely benign. Review status: criteria provided, multiple submitters, no conflicts (2 of 4 stars). 5 submissions from 5 submitters: Benign (1); Likely benign (3). 1 of the submissions does not count toward it. Last evaluated 2025-11-30.

Conditions:
Hereditary cancer-predisposing syndrome. Also called: Hereditary Cancer Syndrome; Neoplastic Syndromes, Hereditary; Tumor predisposition; Hereditary neoplastic syndrome. Identifiers: Orphanet 140162, MedGen C0027672, MeSH D009386, MONDO:0015356.
Familial cancer of breast. Also called: BREAST CANCER, FAMILIAL; Hereditary breast cancer; hereditary breast carcinoma. Identifiers: Orphanet 227535, MedGen C0346153, MONDO:0016419, OMIM 114480. Disease mechanism: loss of function.
PALB2-related disorder. Also called: PALB2-related condition; PALB2-related disorders.

Allele frequency attached by ClinVar (database versions not stated): gnomAD exomes below 0.00001; TOPMed 0.00002; gnomAD 0.00003.
gnomAD v4.1: 6 of 1,613,870 alleles (0.00037%); highest among the groups gnomAD compares: African/African-American, 0.008%; no homozygotes.

Submissions (5):

Labcorp Genetics (formerly Invitae), Labcorp
Classification: Likely benign for Familial cancer of breast. Last evaluated: 2025-11-30. Review status: criteria provided, single submitter. Criteria: Invitae Variant Classification Sherloc (09022015). Collection method: clinical testing. Allele origin: germline.

Myriad Genetics, Inc.
Classification: Benign for Familial cancer of breast. Last evaluated: 2025-01-21. Review status: criteria provided, single submitter. Criteria: Myriad Autosomal Dominant, Autosomal Recessive and X-Linked Classification Criteria (2023). Collection method: clinical testing. Allele origin: unknown.
Comment: This variant is considered benign. This variant is a silent/synonymous amino acid change and it is not expected to impact splicing.

Color Diagnostics, LLC DBA Color Health
Classification: Likely benign for Hereditary cancer-predisposing syndrome. Last evaluated: 2017-03-06. Review status: criteria provided, single submitter. Criteria: ACMG Guidelines, 2015. Collection method: clinical testing. Allele origin: germline.

Ambry Genetics
Classification: Likely benign for Hereditary cancer-predisposing syndrome. Last evaluated: 2016-05-18. Review status: criteria provided, single submitter. Criteria: Ambry Variant Classification Scheme 2023. Collection method: clinical testing. Allele origin: germline.

PreventionGenetics, part of Exact Sciences
Classification: Likely benign for PALB2-related condition. Last evaluated: 2022-03-30. Review status: no assertion criteria provided. Collection method: clinical testing. Allele origin: germline. Not counted in ClinVar's aggregate classification.
Comment: This variant is classified as likely benign based on ACMG/AMP sequence variant interpretation guidelines (Richards et al. 2015 PMID: 25741868, with internal and published modifications).

NM_024675.4(PALB2):c.2949C>G (p.Thr983=)

Gene: PALB2 (partner and localizer of BRCA2; minus strand). Cytogenetic location: 16p12.2.
Variant type: single nucleotide variant.
Coding change: c.2949C>G on transcript NM_024675.4 (MANE Select); coding-DNA position 2949, C replaced by G.
Protein change: p.Thr983=; no amino-acid change (threonine 983 retained).
Molecular consequence: synonymous variant.
Genome position (GRCh38, 1-based): chr16:23,623,016, G>C on the plus strand (C>G on the coding strand, the complement: PALB2 is on the minus strand). VCF-style: chr16-23623016-G-C. GRCh37 (hg19) VCF-style: chr16-23634337-G-C.
Identifiers: ClinVar variation 481062 (VCV000481062.20), dbSNP rs1250153779, ClinGen allele CA494180404.